The following is an entry in ClinVar:

ClinVar aggregate classification (germline): Uncertain significance (1 of 4 stars; one submission).

Allele frequency attached by ClinVar (database versions not stated): gnomAD 0.00001; gnomAD exomes 0.00001; TOPMed 0.00003; ExAC 0.00006; ESP Exome Variant Server 0.00008.
gnomAD v4.1: 13 of 1,576,878 alleles (0.00082%); highest among the groups gnomAD compares: African/African-American, 0.0041%; no homozygotes.

Submission:

Ambry Genetics
Classification: Uncertain significance. Last evaluated: 2024-11-22. Review status: criteria provided, single submitter. Criteria: Ambry Variant Classification Scheme 2023. Collection method: clinical testing. Allele origin: germline.
Comment: The p.D1692V variant (also known as c.5075A>T), located in coding exon 22 of the WNK2 gene, results from an A to T substitution at nucleotide position 5075. The aspartic acid at codon 1692 is replaced by valine, an amino acid with highly dissimilar properties. This amino acid position is conserved. In addition, this alteration is predicted to be tolerated by in silico analysis. Based on the available evidence, the clinical significance of this variant remains unclear.

NM_006648.4(WNK2):c.5075A>T (p.Asp1692Val)

Gene: WNK2 (WNK lysine deficient protein kinase 2; plus strand). Cytogenetic location: 9q22.31.
Variant type: single nucleotide variant.
Coding change: c.5075A>T on transcript NM_006648.4 (MANE Select); coding-DNA position 5075, A replaced by T.
Protein change: p.Asp1692Val; replaces aspartic acid 1692 with valine.
Molecular consequence: missense variant.
Genome position (GRCh38, 1-based): chr9:93,292,540, A>T. VCF-style: chr9-93292540-A-T. GRCh37 (hg19) VCF-style: chr9-96054822-A-T.
Other names: c.5186A>T, p.Asp1729Val (NM_001282394.3); short protein forms D1692V, D1729V.
Identifiers: ClinVar variation 3190645 (VCV003190645.2), dbSNP rs150247631, ClinGen allele CA5130509.
Genomic context (GRCh38, chr9:93,292,540, plus strand): 5'-TGTTTCCCAAGGATGTACCTGCTTTTGTGAGACCTGCACGTGTGGAGCCCACAGACAGGG[A>T]TGGTGGAGAAGCTGGAGAAAGCTCGGCAGAGCCCCCGCCGAGTGACATGGGCACAGTGGG-3'
Protein context (NP_006639.3, residues 1682-1702): RPARVEPTDR[Asp1692Val]GGEAGESSAE